The following is an entry in ClinVar:

ClinVar aggregate classification (germline): Likely benign. Review status: criteria provided, multiple submitters, no conflicts (2 of 4 stars). 3 submissions from 3 submitters: Likely benign (3). Last evaluated 2025-12-01.

Allele frequency attached by ClinVar (database versions not stated): gnomAD 0.00039 and 0.00044; TOPMed 0.00045; ESP Exome Variant Server 0.00046; 1000 Genomes Project 30x 0.00078; 1000 Genomes Project 0.00080.
gnomAD v4.1: 914 of 1,612,938 alleles (0.057%); highest among the groups gnomAD compares: South Asian, 0.096%; 2 homozygotes.

Submissions (3):

CeGaT Center for Human Genetics Tuebingen
Classification: Likely benign. Last evaluated: 2025-12-01. Review status: criteria provided, single submitter. Criteria: CeGaT Center For Human Genetics Tuebingen Variant Classification Criteria Version 2. Collection method: clinical testing. Allele origin: germline. Affected: yes. Observed: 2 variant alleles.
Comment: HDAC4: BP4, BS2

Labcorp Genetics (formerly Invitae), Labcorp
Classification: Likely benign. Last evaluated: 2025-10-23. Review status: criteria provided, single submitter. Criteria: Invitae Variant Classification Sherloc (09022015). Collection method: clinical testing. Allele origin: germline.

Blueprint Genetics
Classification: Likely benign. Last evaluated: 2024-11-26. Review status: criteria provided, single submitter. Criteria: ACMG Guidelines, 2015. Collection method: clinical testing. Allele origin: germline.

NM_001378414.1(HDAC4):c.3220G>A (p.Ala1074Thr)

Gene: HDAC4 (histone deacetylase 4; minus strand). Cytogenetic location: 2q37.3.
Variant type: single nucleotide variant.
Coding change: c.3220G>A on transcript NM_001378414.1 (MANE Select); coding-DNA position 3220, G replaced by A.
Protein change: p.Ala1074Thr; replaces alanine 1074 with threonine.
Molecular consequence: missense variant.
Genome position (GRCh38, 1-based): chr2:239,053,470, C>T on the plus strand (G>A on the coding strand, the complement: HDAC4 is on the minus strand). VCF-style: chr2-239053470-C-T. GRCh37 (hg19) VCF-style: chr2-239975166-C-T.
Other names: c.3220G>A, p.Ala1074Thr (NM_001378415.1); c.3205G>A, p.Ala1069Thr (NM_001378416.1, NM_001378417.1, NM_006037.4); short protein forms A1069T, A1074T.
Identifiers: ClinVar variation 374654 (VCV000374654.52), dbSNP rs115552422, ClinGen allele CA2198995.